The following is an entry in ClinVar:

ClinVar aggregate classification (germline): Uncertain significance. Review status: criteria provided, multiple submitters, no conflicts (2 of 4 stars). 2 submissions from 2 submitters: Uncertain significance (2). Last evaluated 2024-10-25.

Conditions:
NPHP3-related Meckel-like syndrome. Also called: GOLDSTON SYNDROME; Meckel syndrome type 7. Identifiers: Orphanet 3032, MedGen C2673885, MONDO:0009966, OMIM 267010.
Renal-hepatic-pancreatic dysplasia 1 (RHPD1). Identifiers: MedGen C3715199, MONDO:0008833, OMIM 208540.
Nephronophthisis 3 (NPHP3). Also called: Adolescent nephronophthisis. Identifiers: Orphanet 655, MedGen C1858392, MONDO:0011456, OMIM 604387.
Nephronophthisis. Also called: Juvenile Nephronophthisis. Identifiers: Orphanet 655, MedGen C0687120, MONDO:0019005, HP:0000090.

Allele frequency attached by ClinVar (database versions not stated): gnomAD exomes below 0.00001 and 0.00001; gnomAD 0.00001; TOPMed 0.00001.
gnomAD v4.1: 5 of 1,612,196 alleles (0.00031%); highest among the groups gnomAD compares: Admixed American, 0.0033%; no homozygotes.

Submissions (2):

Labcorp Genetics (formerly Invitae), Labcorp
Classification: Uncertain significance for Nephronophthisis. Last evaluated: 2024-10-25. Review status: criteria provided, single submitter. Criteria: Invitae Variant Classification Sherloc (09022015). Collection method: clinical testing. Allele origin: germline.
Comment: This sequence change replaces leucine, which is neutral and non-polar, with phenylalanine, which is neutral and non-polar, at codon 513 of the NPHP3 protein (p.Leu513Phe). This variant is present in population databases (no rsID available, gnomAD 0.003%). This variant has not been reported in the literature in individuals affected with NPHP3-related conditions. ClinVar contains an entry for this variant (Variation ID: 1348394). Invitae Evidence Modeling of protein sequence and biophysical properties (such as structural, functional, and spatial information, amino acid conservation, physicochemical variation, residue mobility, and thermodynamic stability) indicates that this missense variant is not expected to disrupt NPHP3 protein function with a negative predictive value of 80%. In summary, the available evidence is currently insufficient to determine the role of this variant in disease. Therefore, it has been classified as a Variant of Uncertain Significance.

Fulgent Genetics
Classification: Uncertain significance for Renal-hepatic-pancreatic dysplasia 1; NPHP3-related Meckel-like syndrome; Nephronophthisis 3. Last evaluated: 2024-06-11. Review status: criteria provided, single submitter. Criteria: ACMG Guidelines, 2015. Collection method: clinical testing. Allele origin: germline.

NM_153240.5(NPHP3):c.1537C>T (p.Leu513Phe)

Genes: NPHP3-ACAD11 (NPHP3-ACAD11 readthrough (NMD candidate); minus strand), NPHP3 (nephrocystin 3; minus strand). Cytogenetic location: 3q22.1.
Variant type: single nucleotide variant.
Coding change: c.1537C>T on transcript NM_153240.5 (MANE Select); coding-DNA position 1537, C replaced by T.
Protein change: p.Leu513Phe; replaces leucine 513 with phenylalanine.
Molecular consequence: missense variant. On other transcripts: non-coding transcript variant (1).
Genome position (GRCh38, 1-based): chr3:132,701,521, G>A on the plus strand (C>T on the coding strand, the complement: NPHP3 is on the minus strand). VCF-style: chr3-132701521-G-A. GRCh37 (hg19) VCF-style: chr3-132420365-G-A.
Other names: short protein forms L513F.
Identifiers: ClinVar variation 1348394 (VCV001348394.9), dbSNP rs1250547107, ClinGen allele CA354583601.